The following is an entry in ClinVar:

NM_012210.4(TRIM32):c.1185dup (p.Gln396fs)

Genes: ASTN2 (astrotactin 2; minus strand), TRIM32 (tripartite motif containing 32; plus strand). Cytogenetic location: 9q33.1.
Variant type: Duplication.
Coding change: c.1185dup on transcript NM_012210.4 (MANE Select); coding-DNA position 1185, one base duplicated (A; older notation c.1185dupA).
Protein change: p.Gln396fs; shifts the reading frame from glutamine 396.
Molecular consequence: frameshift variant. On other transcripts: intron variant (3).
Genome position (GRCh38, 1-based): chr9:116,698,927, A duplicated. VCF-style (leftmost placement, unchanged base first): chr9-116698926-T-TA. GRCh37 (hg19) VCF-style: chr9-119461205-T-TA.
Other names: c.1185dup, p.Gln396fs (NM_001099679.2, NM_001379048.1, NM_001379049.1 and 1 more transcripts); c.2653+26844dup (NM_014010.5); c.2794+26844dup (NM_001365069.1); c.2806+26844dup (NM_001365068.1); short protein forms Q396fs.
Identifiers: ClinVar variation 1072407 (VCV001072407.9), dbSNP rs1180939705, ClinGen allele CA590501276.

ClinVar aggregate classification (germline): Pathogenic (1 of 4 stars; one submission).

Conditions:
Bardet-Biedl syndrome (BBS). Identifiers: Orphanet 110, MedGen C0752166, MONDO:0015229.

Allele frequency attached by ClinVar (database versions not stated): gnomAD exomes below 0.00001; gnomAD 0.00001.

Submission:

Labcorp Genetics (formerly Invitae), Labcorp
Classification: Pathogenic for Bardet-Biedl syndrome. Last evaluated: 2024-01-02. Review status: criteria provided, single submitter. Criteria: Invitae Variant Classification Sherloc (09022015). Collection method: clinical testing. Allele origin: germline.
Comment: This sequence change creates a premature translational stop signal (p.Gln396Thrfs*20) in the TRIM32 gene. While this is not anticipated to result in nonsense mediated decay, it is expected to disrupt the last 258 amino acid(s) of the TRIM32 protein. This variant is present in population databases (no rsID available, gnomAD 0.0009%). This variant has not been reported in the literature in individuals affected with TRIM32-related conditions. ClinVar contains an entry for this variant (Variation ID: 1072407). This variant disrupts a region of the TRIM32 protein in which other variant(s) (p.Gln396Thrfs*20) have been determined to be pathogenic (Invitae). This suggests that this is a clinically significant region of the protein, and that variants that disrupt it are likely to be disease-causing. For these reasons, this variant has been classified as Pathogenic.